The following is an entry in ClinVar:

NM_000137.4(FAH):c.-40C>T

Gene: FAH (fumarylacetoacetate hydrolase; plus strand). Cytogenetic location: 15q25.1.
Variant type: single nucleotide variant.
Coding change: c.-40C>T on transcript NM_000137.4 (MANE Select); 40 bases upstream of the start codon, C replaced by T.
Molecular consequence: 5 prime UTR variant. On other transcripts: intron variant (2).
Genome position (GRCh38, 1-based): chr15:80,153,015, C>T. VCF-style: chr15-80153015-C-T. GRCh37 (hg19) VCF-style: chr15-80445357-C-T.
Other names: c.-29-11C>T (NM_001374377.1, NM_001374380.1).
Identifiers: ClinVar variation 4989743 (VCV004989743.1).

ClinVar aggregate classification (germline): Likely benign (1 of 4 stars; one submission).

Conditions:
FAH-related disorder. Also called: FAH-related condition.

gnomAD v4.1: 4 of 1,584,426 alleles (0.00025%); highest among the groups gnomAD compares: East Asian, 0.0045%; no homozygotes.

Submission:

PreventionGenetics, part of Exact Sciences
Classification: Likely benign for FAH-related condition. Last evaluated: 2025-11-18. Review status: criteria provided, single submitter. Criteria: ACMG Guidelines, 2015. Collection method: clinical testing. Allele origin: germline.
Comment: This variant is classified as likely benign based on ACMG/AMP sequence variant interpretation guidelines (Richards et al. 2015 PMID: 25741868, with internal and published modifications).